The following is an entry in ClinVar:

NM_001126108.2(SLC12A3):c.1000C>G (p.Arg334Gly)

Gene: SLC12A3 (solute carrier family 12 member 3; plus strand). Cytogenetic location: 16q13.
Variant type: single nucleotide variant.
Coding change: c.1000C>G on transcript NM_001126108.2 (MANE Select); coding-DNA position 1000, C replaced by G.
Protein change: p.Arg334Gly; replaces arginine 334 with glycine.
Molecular consequence: missense variant.
Genome position (GRCh38, 1-based): chr16:56,872,691, C>G. VCF-style: chr16-56872691-C-G. GRCh37 (hg19) VCF-style: chr16-56906603-C-G.
Other names: c.997C>G, p.Arg333Gly (NM_001410896.1, NM_001126107.2); c.1000C>G, p.Arg334Gly (NM_000339.3); short protein forms R334G, R333G.
Identifiers: ClinVar variation 2694567 (VCV002694567.3), dbSNP rs770702194, ClinGen allele CA395983706.

ClinVar aggregate classification (germline): Likely pathogenic (1 of 4 stars; one submission).

Submission:

Labcorp Genetics (formerly Invitae), Labcorp
Classification: Likely pathogenic. Last evaluated: 2023-11-17. Review status: criteria provided, single submitter. Criteria: Invitae Variant Classification Sherloc (09022015). Collection method: clinical testing. Allele origin: germline.
Comment: This sequence change replaces arginine, which is basic and polar, with glycine, which is neutral and non-polar, at codon 334 of the SLC12A3 protein (p.Arg334Gly). This variant is not present in population databases (gnomAD no frequency). This variant has not been reported in the literature in individuals affected with SLC12A3-related conditions. Advanced modeling of protein sequence and biophysical properties (such as structural, functional, and spatial information, amino acid conservation, physicochemical variation, residue mobility, and thermodynamic stability) performed at Invitae indicates that this missense variant is expected to disrupt SLC12A3 protein function with a positive predictive value of 95%. This variant disrupts the p.Arg334 amino acid residue in SLC12A3. Other variant(s) that disrupt this residue have been determined to be pathogenic (PMID: 11168953, 21415153). This suggests that this residue is clinically significant, and that variants that disrupt this residue are likely to be disease-causing. In summary, the currently available evidence indicates that the variant is pathogenic, but additional data are needed to prove that conclusively. Therefore, this variant has been classified as Likely Pathogenic.

Literature cited by the submitters: PubMed 11168953; PubMed 21415153.